The following is an entry in ClinVar:

NM_000535.7(PMS2):c.1582G>A (p.Gly528Ser)

Gene: PMS2 (PMS1 homolog 2, mismatch repair system component; minus strand). Cytogenetic location: 7p22.1.
Variant type: single nucleotide variant.
Coding change: c.1582G>A on transcript NM_000535.7 (MANE Select); coding-DNA position 1582, G replaced by A.
Protein change: p.Gly528Ser; replaces glycine 528 with serine.
Molecular consequence: missense variant. On other transcripts: non-coding transcript variant (1).
Genome position (GRCh38, 1-based): chr7:5,987,183, C>T on the plus strand (G>A on the coding strand, the complement: PMS2 is on the minus strand). VCF-style: chr7-5987183-C-T. GRCh37 (hg19) VCF-style: chr7-6026814-C-T.
Other names: c.1264G>A, p.Gly422Ser (NM_001322008.2, NM_001322007.2); c.1177G>A, p.Gly393Ser (NM_001322009.2, NM_001322003.2, NM_001322004.2 and 1 more transcripts); c.1021G>A, p.Gly341Ser (NM_001322010.2); c.649G>A, p.Gly217Ser (NM_001322011.2, NM_001322012.2); c.1009G>A, p.Gly337Ser (NM_001322013.2); c.1273G>A, p.Gly425Ser (NM_001322015.2); c.1582G>A, p.Gly528Ser (NM_001322014.2); c.1426G>A, p.Gly476Ser (NM_001322006.2); and 1 more; short protein forms G337S, G217S, G393S, G422S, G425S, G476S, G528S, G341S.
Identifiers: ClinVar variation 921468 (VCV000921468.14), dbSNP rs1354150928, ClinGen allele CA366741547.

ClinVar aggregate classification (germline): Conflicting classifications of pathogenicity. Review status: criteria provided, conflicting classifications (1 of 4 stars). 4 submissions from 4 submitters: Uncertain significance (3); Likely benign (1). Last evaluated 2026-01-11.

Conditions:
Hereditary nonpolyposis colorectal neoplasms. Identifiers: MedGen C0009405, MeSH D003123.
Lynch syndrome. Identifiers: Orphanet 144, MedGen C4552100, MONDO:0005835. Disease mechanism: loss of function.
Hereditary cancer-predisposing syndrome. Also called: Neoplastic Syndromes, Hereditary; Tumor predisposition; Hereditary Cancer Syndrome; Hereditary neoplastic syndrome. Identifiers: Orphanet 140162, MedGen C0027672, MeSH D009386, MONDO:0015356.

Allele frequency attached by ClinVar (database versions not stated): gnomAD exomes below 0.00001 and 0.00001.
gnomAD v4.1: 4 of 1,614,038 alleles (0.00025%); highest among the groups gnomAD compares: East Asian, 0.0022%; no homozygotes.

Submissions (4):

Labcorp Genetics (formerly Invitae), Labcorp
Classification: Uncertain significance for Hereditary nonpolyposis colorectal neoplasms. Last evaluated: 2026-01-11. Review status: criteria provided, single submitter. Criteria: Invitae Variant Classification Sherloc (09022015). Collection method: clinical testing. Allele origin: germline.
Comment: This sequence change replaces glycine, which is neutral and non-polar, with serine, which is neutral and polar, at codon 528 of the PMS2 protein (p.Gly528Ser). This variant is present in population databases (no rsID available, gnomAD 0.01%). This missense change has been observed in individual(s) with breast cancer (PMID: 35449176). ClinVar contains an entry for this variant (Variation ID: 921468). Invitae Evidence Modeling incorporating data from in vitro experimental studies (internal data) indicates that this missense variant is not expected to disrupt PMS2 function with a negative predictive value of 95%. In summary, the available evidence is currently insufficient to determine the role of this variant in disease. Therefore, it has been classified as a Variant of Uncertain Significance.

Ambry Genetics
Classification: Likely benign for Hereditary cancer-predisposing syndrome. Last evaluated: 2025-10-30. Review status: criteria provided, single submitter. Criteria: Ambry Variant Classification Scheme 2023. Collection method: clinical testing. Allele origin: germline.

Color Diagnostics, LLC DBA Color Health
Classification: Uncertain significance for Hereditary cancer-predisposing syndrome. Last evaluated: 2024-03-06. Review status: criteria provided, single submitter. Criteria: ACMG Guidelines, 2015. Collection method: clinical testing. Allele origin: germline.
Comment: This missense variant replaces glycine with serine at codon 528 of the PMS2 protein. Computational prediction suggests that this variant may not impact protein structure and function (internally defined REVEL score threshold <= 0.5, PMID: 27666373). To our knowledge, functional studies have not been reported for this variant. This variant has not been reported in individuals affected with PMS2-related disorders in the literature. This variant has been identified in 2/251018 chromosomes in the general population by the Genome Aggregation Database (gnomAD). The available evidence is insufficient to determine the role of this variant in disease conclusively. Therefore, this variant is classified as a Variant of Uncertain Significance.

All of Us Research Program, National Institutes of Health
Classification: Uncertain significance for Lynch syndrome. Last evaluated: 2023-08-15. Review status: criteria provided, single submitter. Criteria: ACMG Guidelines, 2015. Collection method: clinical testing. Allele origin: germline. Inheritance: Autosomal dominant inheritance. Observed: 1 variant allele, 1 heterozygote.
Comment: This study involves interpretation of variants in research participants for the purpose of population health screening. Participant phenotype was not available at the time of variant classification. Additional details can be found in publication PMID: 35346344, PMCID: PMC8962531

Literature cited by the submitters: PubMed 35449176 (cited by Labcorp Genetics (formerly Invitae), Labcorp).